The following is an entry in ClinVar:

ClinVar aggregate classification (germline): Pathogenic/Likely pathogenic. Review status: criteria provided, multiple submitters, no conflicts (2 of 4 stars). 5 submissions from 5 submitters: Pathogenic (4); Likely pathogenic (1). Last evaluated 2025-10-14.

Conditions:
DHCR7-related disorder. Also called: DHCR7-related condition.
Smith-Lemli-Opitz syndrome (SLOS). Also called: LETHAL ACRODYSGENITAL SYNDROME; POLYDACTYLY, SEX REVERSAL, RENAL HYPOPLASIA, AND UNILOBAR LUNG; RSH SYNDROME; RUTLEDGE LETHAL MULTIPLE CONGENITAL ANOMALY SYNDROME; 7-Dehydrocholesterol reductase deficiency. Identifiers: Orphanet 818, MedGen C0175694, MONDO:0010035, OMIM 270400.

Submissions (5):

Dasa
Classification: Likely pathogenic. Last evaluated: 2025-10-14. Review status: criteria provided, single submitter. Criteria: DASA Assertion Criteria. Collection method: clinical testing. Allele origin: germline.
Comment: NM_001360.3(DHCR7):c.1295A>G (p.Tyr432Cys) is a missense variant that results in the substitution of tyrosine with cysteine. The affected residue or protein region has prior evidence supporting clinical relevance. This variant has been recurrently observed in individuals with DHCR7-related disorders (PMID: 23293579; PMID: 15776424). Also, this variant is rare in population databases. Computational evidence supports a deleterious effect. Based on the currently available evidence, this variant is classified as likely pathogenic.

Natera, Inc.
Classification: Pathogenic for Smith-Lemli-Opitz syndrome. Last evaluated: 2025-05-05. Review status: criteria provided, single submitter. Criteria: Natera Variant Classification Schema (03/2026). Collection method: clinical testing. Allele origin: germline.
Comment: The c.1295A>G variant in DHCR7 is a missense variant predicted to cause substitution of tyrosine to cysteine at amino acid 432. This variant is rare in the general population with a frequency below the threshold expected for the associated phenotype(s). This variant has been observed in one or more individuals affected with the associated recessive disease, as either homozygous or compound heterozygous with a second variant (PMID: 37323201, 23293579). Given the available evidence, this variant is classified as Pathogenic.

Blueprint Genetics
Classification: Pathogenic for DHCR7-related disorders. Last evaluated: 2023-09-21. Review status: criteria provided, single submitter. Criteria: ACMG Guidelines, 2015. Collection method: clinical testing. Allele origin: germline. Affected: yes. Observed: 2 variant alleles.

Labcorp Genetics (formerly Invitae), Labcorp
Classification: Pathogenic for Smith-Lemli-Opitz syndrome. Last evaluated: 2023-09-21. Review status: criteria provided, single submitter. Criteria: Invitae Variant Classification Sherloc (09022015). Collection method: clinical testing. Allele origin: germline.
Comment: This variant is not present in population databases (gnomAD no frequency). This sequence change replaces tyrosine, which is neutral and polar, with cysteine, which is neutral and slightly polar, at codon 432 of the DHCR7 protein (p.Tyr432Cys). This missense change has been observed in individual(s) with Smith–Lemli–Opitz syndrome (PMID: 15776424, 19390132, 23293579). In at least one individual the data is consistent with being in trans (on the opposite chromosome) from a pathogenic variant. ClinVar contains an entry for this variant (Variation ID: 1076651). Advanced modeling of protein sequence and biophysical properties (such as structural, functional, and spatial information, amino acid conservation, physicochemical variation, residue mobility, and thermodynamic stability) performed at Invitae indicates that this missense variant is expected to disrupt DHCR7 protein function. For these reasons, this variant has been classified as Pathogenic.

Fulgent Genetics
Classification: Pathogenic for Smith-Lemli-Opitz syndrome. Last evaluated: 2022-05-12. Review status: criteria provided, single submitter. Criteria: ACMG Guidelines, 2015. Collection method: clinical testing. Allele origin: unknown.

Literature cited by the submitters: PubMed 23293579 (cited by 3 submitters); PubMed 15776424 (cited by Dasa and Labcorp Genetics (formerly Invitae), Labcorp); PubMed 37323201 (cited by Natera, Inc.); PubMed 19390132 (cited by Labcorp Genetics (formerly Invitae), Labcorp).

NM_001360.3(DHCR7):c.1295A>G (p.Tyr432Cys)

Gene: DHCR7 (7-dehydrocholesterol reductase; minus strand). Cytogenetic location: 11q13.4.
Variant type: single nucleotide variant.
Coding change: c.1295A>G on transcript NM_001360.3 (MANE Select); coding-DNA position 1295, A replaced by G.
Protein change: p.Tyr432Cys; replaces tyrosine 432 with cysteine.
Molecular consequence: missense variant.
Genome position (GRCh38, 1-based): chr11:71,435,508, T>C on the plus strand (A>G on the coding strand, the complement: DHCR7 is on the minus strand). VCF-style: chr11-71435508-T-C. GRCh37 (hg19) VCF-style: chr11-71146554-T-C.
Other names: c.1295A>G, p.Tyr432Cys (NM_001163817.2); c.1295A>G (NM_001360.2); short protein forms Y432C.
Identifiers: ClinVar variation 1076651 (VCV001076651.14), dbSNP rs1565584679, ClinGen allele CA381701018.